The following is an entry in ClinVar:

NM_002470.4(MYH3):c.206C>A (p.Thr69Asn)

Gene: MYH3 (myosin heavy chain 3; minus strand). Cytogenetic location: 17p13.1.
Variant type: single nucleotide variant.
Coding change: c.206C>A on transcript NM_002470.4 (MANE Select); coding-DNA position 206, C replaced by A.
Protein change: p.Thr69Asn; replaces threonine 69 with asparagine.
Molecular consequence: missense variant.
Genome position (GRCh38, 1-based): chr17:10,652,562, G>T on the plus strand (C>A on the coding strand, the complement: MYH3 is on the minus strand). VCF-style: chr17-10652562-G-T. GRCh37 (hg19) VCF-style: chr17-10555879-G-T.
Other names: short protein forms T69N.
Identifiers: ClinVar variation 4707482 (VCV004707482.1).

ClinVar aggregate classification (germline): Uncertain significance (1 of 4 stars; one submission).

gnomAD v4.1: 11 of 1,596,676 alleles (0.00069%); highest among the groups gnomAD compares: Admixed American, 0.0017%; no homozygotes.

Submission:

Labcorp Genetics (formerly Invitae), Labcorp
Classification: Uncertain significance. Last evaluated: 2025-12-17. Review status: criteria provided, single submitter. Criteria: Invitae Variant Classification Sherloc (09022015). Collection method: clinical testing. Allele origin: germline.
Comment: This sequence change replaces threonine, which is neutral and polar, with asparagine, which is neutral and polar, at codon 69 of the MYH3 protein (p.Thr69Asn). This variant is present in population databases (no rsID available, gnomAD 0.003%). This variant has not been reported in the literature in individuals affected with MYH3-related conditions. An algorithm developed to predict the effect of missense changes on protein structure and function (PolyPhen-2) suggests that this variant is likely to be tolerated. In summary, the available evidence is currently insufficient to determine the role of this variant in disease. Therefore, it has been classified as a Variant of Uncertain Significance.